The following is an entry in ClinVar:

ClinVar aggregate classification (germline): Uncertain significance. Review status: criteria provided, multiple submitters, no conflicts (2 of 4 stars). 2 submissions from 2 submitters: Uncertain significance (2). Last evaluated 2024-10-12.

Conditions:
Singleton-Merten syndrome 1 (SGMRT1). Also called: Widened medullary cavities of bone, aortic calcification, abnormal dentition, and muscular weakness; Syndrome of widened medullary cavities of the metacarpals and phalanges, aortic calcification and abnormal dentition. Identifiers: Orphanet 85191, MedGen C4225427, MONDO:0024535, OMIM 182250.
Aicardi-Goutieres syndrome 7 (AGS7). Identifiers: Orphanet 51, MedGen C3888244, MONDO:0014367, OMIM 615846.
Inborn genetic diseases. Identifiers: MedGen C0950123, MeSH D030342.

Allele frequency attached by ClinVar (database versions not stated): gnomAD 0.00001; gnomAD exomes 0.00001; TOPMed 0.00001.
gnomAD v4.1: 21 of 1,612,402 alleles (0.0013%); highest among the groups gnomAD compares: African/African-American, 0.0027%; no homozygotes.

Submissions (2):

Labcorp Genetics (formerly Invitae), Labcorp
Classification: Uncertain significance for Aicardi-Goutieres syndrome 7; Singleton-Merten syndrome 1. Last evaluated: 2024-10-12. Review status: criteria provided, single submitter. Criteria: Invitae Variant Classification Sherloc (09022015). Collection method: clinical testing. Allele origin: germline.
Comment: This sequence change replaces proline, which is neutral and non-polar, with leucine, which is neutral and non-polar, at codon 302 of the IFIH1 protein (p.Pro302Leu). This variant is present in population databases (rs779515192, gnomAD 0.002%). This variant has not been reported in the literature in individuals affected with IFIH1-related conditions. ClinVar contains an entry for this variant (Variation ID: 1920269). Invitae Evidence Modeling of protein sequence and biophysical properties (such as structural, functional, and spatial information, amino acid conservation, physicochemical variation, residue mobility, and thermodynamic stability) has been performed for this missense variant. However, the output from this modeling did not meet the statistical confidence thresholds required to predict the impact of this variant on IFIH1 protein function. In summary, the available evidence is currently insufficient to determine the role of this variant in disease. Therefore, it has been classified as a Variant of Uncertain Significance.

Ambry Genetics
Classification: Uncertain significance for Inborn genetic diseases. Last evaluated: 2021-07-16. Review status: criteria provided, single submitter. Criteria: Ambry Variant Classification Scheme 2023. Collection method: clinical testing. Allele origin: germline.

NM_022168.4(IFIH1):c.905C>T (p.Pro302Leu)

Gene: IFIH1 (interferon induced with helicase C domain 1; minus strand). Cytogenetic location: 2q24.2.
Variant type: single nucleotide variant.
Coding change: c.905C>T on transcript NM_022168.4 (MANE Select); coding-DNA position 905, C replaced by T.
Protein change: p.Pro302Leu; replaces proline 302 with leucine.
Molecular consequence: missense variant.
Genome position (GRCh38, 1-based): chr2:162,288,325, G>A on the plus strand (C>T on the coding strand, the complement: IFIH1 is on the minus strand). VCF-style: chr2-162288325-G-A. GRCh37 (hg19) VCF-style: chr2-163144835-G-A.
Other names: short protein forms P302L.
Identifiers: ClinVar variation 1920269 (VCV001920269.6), dbSNP rs779515192, ClinGen allele CA59670835.